The following is an entry in ClinVar:

ClinVar aggregate classification (germline): Likely benign (1 of 4 stars; one submission).

Allele frequency attached by ClinVar (database versions not stated): TOPMed 0.00003; gnomAD 0.00013; ExAC 0.00016.

Submission:

CeGaT Center for Human Genetics Tuebingen
Classification: Likely benign. Last evaluated: 2024-05-01. Review status: criteria provided, single submitter. Criteria: CeGaT Center For Human Genetics Tuebingen Variant Classification Criteria Version 2. Collection method: clinical testing. Allele origin: germline. Affected: yes. Observed: 2 variant alleles.
Comment: CLDN9: BP4, BP7

NM_020982.4(CLDN9):c.12C>T (p.Thr4=)

Gene: CLDN9 (claudin 9; plus strand). Cytogenetic location: 16p13.3.
Variant type: single nucleotide variant.
Coding change: c.12C>T on transcript NM_020982.4 (MANE Select); coding-DNA position 12, C replaced by T.
Protein change: p.Thr4=; no amino-acid change (threonine 4 retained).
Molecular consequence: synonymous variant.
Genome position (GRCh38, 1-based): chr16:3,013,374, C>T. VCF-style: chr16-3013374-C-T. GRCh37 (hg19) VCF-style: chr16-3063375-C-T.
Identifiers: ClinVar variation 3067290 (VCV003067290.21), dbSNP rs747724516, ClinGen allele CA7853941.